The following is an entry in ClinVar:

NM_032638.5(GATA2):c.490G>T (p.Ala164Ser)

Gene: GATA2 (GATA binding protein 2; minus strand). Cytogenetic location: 3q21.3.
Variant type: single nucleotide variant.
Coding change: c.490G>T on transcript NM_032638.5 (MANE Select); coding-DNA position 490, G replaced by T.
Protein change: p.Ala164Ser; replaces alanine 164 with serine.
Molecular consequence: missense variant.
Genome position (GRCh38, 1-based): chr3:128,486,108, C>A on the plus strand (G>T on the coding strand, the complement: GATA2 is on the minus strand). VCF-style: chr3-128486108-C-A. GRCh37 (hg19) VCF-style: chr3-128204951-C-A.
Other names: c.490G>T, p.Ala164Ser (NM_001145661.2, NM_001145662.1); short protein forms A164S.
Identifiers: ClinVar variation 4028521 (VCV004028521.1).
Genomic context (GRCh38, chr3:128,486,108, plus strand): 5'-CAGGAGACACTTCTTTGGGTGGCGTGGGTGGGAAGCCGAAAAGGTGGGAGCCAGAGTGGG[C>A]TGCTGTAGGGGTGAGGGAGGCCACTGAGCTCCCGCTGCCTCCCCCGCTCCCACCCCCAGC-3'
Protein context (NP_116027.2, residues 154-174): SSVASLTPTA[Ala164Ser]HSGSHLFGFP

ClinVar aggregate classification (germline): Uncertain significance (1 of 4 stars; one submission).

Conditions:
Inborn genetic diseases. Identifiers: MedGen C0950123, MeSH D030342.

Submission:

Ambry Genetics
Classification: Uncertain significance for Inborn genetic diseases. Last evaluated: 2025-06-09. Review status: criteria provided, single submitter. Criteria: Ambry Variant Classification Scheme 2023. Collection method: clinical testing. Allele origin: germline.
Comment: The p.A164S variant (also known as c.490G>T), located in coding exon 2 of the GATA2 gene, results from a G to T substitution at nucleotide position 490. The alanine at codon 164 is replaced by serine, an amino acid with similar properties. This amino acid position is conserved. In addition, this alteration is predicted to be tolerated by in silico analysis. Based on the available evidence, the clinical significance of this variant remains unclear.